The following is an entry in ClinVar:

ClinVar aggregate classification (germline): Uncertain significance. Review status: criteria provided, multiple submitters, no conflicts (2 of 4 stars). 2 submissions from 2 submitters: Uncertain significance (2). Last evaluated 2024-11-23.

Conditions:
Inborn genetic diseases. Identifiers: MedGen C0950123, MeSH D030342.
Pulmonary fibrosis and/or bone marrow failure, Telomere-related, 3. Also called: PULMONARY FIBROSIS AND/OR BONE MARROW FAILURE SYNDROME, TELOMERE-RELATED, 3. Identifiers: Orphanet 2032, MedGen C4225346, MONDO:0014613, OMIM 616373.
Dyskeratosis congenita, autosomal recessive 5 (DKCB5). Identifiers: MedGen C3554656, MONDO:0014076, OMIM 615190.

Allele frequency attached by ClinVar (database versions not stated): gnomAD exomes 0.00001.

Submissions (2):

Labcorp Genetics (formerly Invitae), Labcorp
Classification: Uncertain significance for Dyskeratosis congenita, autosomal recessive 5; Pulmonary fibrosis and/or bone marrow failure, Telomere-related, 3. Last evaluated: 2024-11-23. Review status: criteria provided, single submitter. Criteria: Invitae Variant Classification Sherloc (09022015). Collection method: clinical testing. Allele origin: germline.
Comment: This sequence change replaces tyrosine, which is neutral and polar, with cysteine, which is neutral and slightly polar, at codon 421 of the RTEL1 protein (p.Tyr421Cys). The frequency data for this variant in the population databases is considered unreliable, as metrics indicate poor data quality at this position in the gnomAD database. This variant has not been reported in the literature in individuals affected with RTEL1-related conditions. ClinVar contains an entry for this variant (Variation ID: 2174147). An algorithm developed to predict the effect of missense changes on protein structure and function (PolyPhen-2) suggests that this variant is likely to be disruptive. In summary, the available evidence is currently insufficient to determine the role of this variant in disease. Therefore, it has been classified as a Variant of Uncertain Significance.

Ambry Genetics
Classification: Uncertain significance for Inborn genetic diseases. Last evaluated: 2022-10-26. Review status: criteria provided, single submitter. Criteria: Ambry Variant Classification Scheme 2023. Collection method: clinical testing. Allele origin: germline.

NM_001283009.2(RTEL1):c.1262A>G (p.Tyr421Cys)

Genes: RTEL1 (regulator of telomere elongation helicase 1; plus strand), RTEL1-TNFRSF6B (RTEL1-TNFRSF6B readthrough (NMD candidate); plus strand). Cytogenetic location: 20q13.33.
Variant type: single nucleotide variant.
Coding change: c.1262A>G on transcript NM_001283009.2 (MANE Select); coding-DNA position 1262, A replaced by G.
Protein change: p.Tyr421Cys; replaces tyrosine 421 with cysteine.
Molecular consequence: missense variant. On other transcripts: non-coding transcript variant (1).
Genome position (GRCh38, 1-based): chr20:63,685,593, A>G. VCF-style: chr20-63685593-A-G. GRCh37 (hg19) VCF-style: chr20-62316946-A-G.
Other names: c.1334A>G (NM_032957.4); c.593A>G, p.Tyr198Cys (NM_001283010.1); c.1262A>G, p.Tyr421Cys (NM_016434.4); c.1334A>G, p.Tyr445Cys (NM_032957.5); short protein forms Y421C, Y198C, Y445C.
Identifiers: ClinVar variation 2174147 (VCV002174147.4), dbSNP rs1433854450, ClinGen allele CA409675833.